The following is an entry in ClinVar:

NM_017636.4(TRPM4):c.1874-19A>G

Gene: TRPM4 (transient receptor potential cation channel subfamily M member 4; plus strand). Cytogenetic location: 19q13.33.
Variant type: single nucleotide variant.
Coding change: c.1874-19A>G on transcript NM_017636.4 (MANE Select); 19 bases into the intron before coding-DNA position 1874, A replaced by G.
Molecular consequence: intron variant.
Genome position (GRCh38, 1-based): chr19:49,188,927, A>G. VCF-style: chr19-49188927-A-G. GRCh37 (hg19) VCF-style: chr19-49692184-A-G.
Other names: c.1874-19A>G (NM_001195227.2); c.266-19A>G (NM_001321282.2); c.1529-19A>G (NM_001321281.2); c.1352-19A>G (NM_001321283.2); c.812-19A>G (NM_001321285.2).
Identifiers: ClinVar variation 1462149 (VCV001462149.8), dbSNP rs2122985129, ClinGen allele CA2573156670.
Genomic context (GRCh38, chr19:49,188,927, plus strand): 5'-TAAATTCCCTTACCTCTCCCTTCACACCCTCACCCTACTCCTTCCCATCCCTGTCACATA[A>G]CTAACTCCTCTGCCCCAGACCTCTTTGGCGAGTGCTATCGCAGCAGTGAGGTGAGGGCTG-3'

ClinVar aggregate classification (germline): Uncertain significance (1 of 4 stars; one submission).

Conditions:
Progressive familial heart block type IB (PFHB1B). Identifiers: Orphanet 871, MedGen C1970298, MONDO:0011474, OMIM 604559.

Allele frequency attached by ClinVar (database versions not stated): gnomAD exomes below 0.00001.
gnomAD v4.1: 5 of 1,613,900 alleles (0.00031%); highest among the groups gnomAD compares: Non-Finnish European, 0.00042%; no homozygotes.

Submission:

Labcorp Genetics (formerly Invitae), Labcorp
Classification: Uncertain significance for Progressive familial heart block type IB. Last evaluated: 2021-05-04. Review status: criteria provided, single submitter. Criteria: Invitae Variant Classification Sherloc (09022015). Collection method: clinical testing. Allele origin: germline.
Comment: In summary, the available evidence is currently insufficient to determine the role of this variant in disease. Therefore, it has been classified as a Variant of Uncertain Significance. Algorithms developed to predict the effect of sequence changes on RNA splicing suggest that this variant may create or strengthen a splice site, but this prediction has not been confirmed by published transcriptional studies. This variant has not been reported in the literature in individuals with TRPM4-related conditions. This variant is not present in population databases (ExAC no frequency). This sequence change falls in intron 13 of the TRPM4 gene. It does not directly change the encoded amino acid sequence of the TRPM4 protein.